The following is an entry in ClinVar:

ClinVar aggregate classification (germline): Uncertain significance. Review status: criteria provided, multiple submitters, no conflicts (2 of 4 stars). 2 submissions from 2 submitters: Uncertain significance (2). Last evaluated 2022-09-01.

Conditions:
Cardiovascular phenotype. Identifiers: MedGen CN230736.
Long QT syndrome (LQTS). Identifiers: MedGen C0023976, MeSH D008133, MONDO:0002442. Disease mechanism: loss of function. Inheritance: Various modes of inheritance.

Allele frequency attached by ClinVar (database versions not stated): ExAC 0.00001; gnomAD exomes 0.00001.
gnomAD v4.1: 5 of 1,613,902 alleles (0.00031%); highest among the groups gnomAD compares: Middle Eastern, 0.016%; no homozygotes.

Submissions (2):

Ambry Genetics
Classification: Uncertain significance for Cardiovascular phenotype. Last evaluated: 2022-09-01. Review status: criteria provided, single submitter. Criteria: Ambry Variant Classification Scheme 2023. Collection method: clinical testing. Allele origin: germline.
Comment: The p.D3873N variant (also known as c.11617G>A), located in coding exon 44 of the ANK2 gene, results from a G to A substitution at nucleotide position 11617. The aspartic acid at codon 3873 is replaced by asparagine, an amino acid with highly similar properties. This variant has been detected in an individual from an autism spectrum disorders cohort (Guo H et al. Mol Autism, 2018 Dec;9:64). This amino acid position is not well conserved in available vertebrate species. In addition, this alteration is predicted to be tolerated by in silico analysis. Since supporting evidence is limited at this time, the clinical significance of this alteration remains unclear.

Labcorp Genetics (formerly Invitae), Labcorp
Classification: Uncertain significance for Long QT syndrome. Last evaluated: 2021-05-01. Review status: criteria provided, single submitter. Criteria: Invitae Variant Classification Sherloc (09022015). Collection method: clinical testing. Allele origin: germline.
Comment: This sequence change replaces aspartic acid with asparagine at codon 3873 of the ANK2 protein (p.Asp3873Asn). The aspartic acid residue is moderately conserved and there is a small physicochemical difference between aspartic acid and asparagine. In summary, the available evidence is currently insufficient to determine the role of this variant in disease. Therefore, it has been classified as a Variant of Uncertain Significance. Algorithms developed to predict the effect of missense changes on protein structure and function (SIFT, PolyPhen-2, Align-GVGD) all suggest that this variant is likely to be tolerated, but these predictions have not been confirmed by published functional studies and their clinical significance is uncertain. This variant has been observed in individual(s) with autism spectrum disorder (PMID: 30564305). This variant is present in population databases (rs777035563, ExAC 0.001%).

Literature cited by the submitters: PubMed 30564305 (cited by Ambry Genetics and Labcorp Genetics (formerly Invitae), Labcorp).

NM_001148.6(ANK2):c.11617G>A (p.Asp3873Asn)

Gene: ANK2 (ankyrin 2; plus strand). Cytogenetic location: 4q26.
Variant type: single nucleotide variant.
Coding change: c.11617G>A on transcript NM_001148.6 (MANE Select); coding-DNA position 11617, G replaced by A.
Protein change: p.Asp3873Asn; replaces aspartic acid 3873 with asparagine.
Molecular consequence: missense variant. On other transcripts: intron variant (1).
Genome position (GRCh38, 1-based): chr4:113,373,096, G>A. VCF-style: chr4-113373096-G-A. GRCh37 (hg19) VCF-style: chr4-114294252-G-A.
Other names: c.5335G>A, p.Asp1779Asn (NM_001127493.3); c.5374G>A, p.Asp1792Asn (NM_001354225.2); c.5356G>A, p.Asp1786Asn (NM_001354228.2); c.5341G>A, p.Asp1781Asn (NM_001354230.2); c.5497G>A, p.Asp1833Asn (NM_001354231.2); c.5491G>A, p.Asp1831Asn (NM_001354232.2); c.5452G>A, p.Asp1818Asn (NM_001354235.2); c.5260G>A, p.Asp1754Asn (NM_001354236.2); and 44 more; short protein forms D1660N, D1734N, D1736N, D1746N, D1767N, D1778N, D1797N, D1798N.
Identifiers: ClinVar variation 1373580 (VCV001373580.10), dbSNP rs777035563, ClinGen allele CA3052334.